The following is an entry in ClinVar:

NM_139076.3(ABRAXAS1):c.755G>A (p.Arg252Gln)

Gene: ABRAXAS1 (abraxas 1, BRCA1 A complex subunit; minus strand). Cytogenetic location: 4q21.23.
Variant type: single nucleotide variant.
Coding change: c.755G>A on transcript NM_139076.3 (MANE Select); coding-DNA position 755, G replaced by A.
Protein change: p.Arg252Gln; replaces arginine 252 with glutamine.
Molecular consequence: missense variant.
Genome position (GRCh38, 1-based): chr4:83,463,535, C>T on the plus strand (G>A on the coding strand, the complement: ABRAXAS1 is on the minus strand). VCF-style: chr4-83463535-C-T. GRCh37 (hg19) VCF-style: chr4-84384688-C-T.
Other names: p.R252Q:CGA>CAA; c.428G>A, p.Arg143Gln (NM_001345962.2); short protein forms R252Q, R143Q.
Identifiers: ClinVar variation 128225 (VCV000128225.39), dbSNP rs114513239, ClinGen allele CA288652.

ClinVar aggregate classification (germline): Conflicting classifications of pathogenicity. Review status: criteria provided, conflicting classifications (1 of 4 stars). 3 submissions from 3 submitters: Uncertain significance (1); Likely benign (2). Last evaluated 2026-02-02.

Allele frequency attached by ClinVar (database versions not stated): 1000 Genomes Project 0.00060; gnomAD exomes 0.00070 and 0.00134; ExAC 0.00073; 1000 Genomes Project 30x 0.00078; gnomAD 0.00083; TOPMed 0.00084; ESP Exome Variant Server 0.00092.

Submissions (3):

Labcorp Genetics (formerly Invitae), Labcorp
Classification: Likely benign. Last evaluated: 2026-02-02. Review status: criteria provided, single submitter. Criteria: Invitae Variant Classification Sherloc (09022015). Collection method: clinical testing. Allele origin: germline.

CeGaT Center for Human Genetics Tuebingen
Classification: Likely benign. Last evaluated: 2025-11-01. Review status: criteria provided, single submitter. Criteria: CeGaT Center For Human Genetics Tuebingen Variant Classification Criteria Version 2. Collection method: clinical testing. Allele origin: germline. Affected: yes. Observed: 11 variant alleles.
Comment: ABRAXAS1: BP4, BS1

GeneDx
Classification: Uncertain significance. Last evaluated: 2014-03-13. Review status: criteria provided, single submitter. Criteria: GeneDx Variant Classification (06012015). Collection method: clinical testing. Allele origin: germline. Affected: yes.
Comment: FAM175A has been only recently described in association with cancer predisposition and the risks are not well understood. This variant is denoted FAM175A c.755G>A at the cDNA level, p.Arg252Gln (R252Q) at the protein level, and results in the change of an Arginine to a Glutamine (CGA>CAA). This variant has not, to our knowledge, been published in the literature as pathogenic or benign. FAM175A Arg252Gln has been observed with an allele frequency of up to 0.1% in European Americans in the NHLBI Exome Sequencing Project. This variant is a semi-conservative substitution of a positive polar amino acid for a neutral polar one, altering a position that is highly variable throughout evolution and is located in the potential coiled-coil domain. In silico analyses predict this variant to have a benign effect on protein structure and function. At a molecular level, the impact of this missense variant on protein structure and function is not known and thus we consider this to be a variant of uncertain significance. Furthermore, based on the currently available information, cancer risks associated with this variant, and the FAM175A gene, remain unclear.